The following is an entry in ClinVar:

NM_000492.4(CFTR):c.1679+18G>T

Genes: CFTR (CF transmembrane conductance regulator; plus strand), LOC111674475 (CFTR intron 11 enhancer; plus strand). Cytogenetic location: 7q31.2.
Variant type: single nucleotide variant.
Coding change: c.1679+18G>T on transcript NM_000492.4 (MANE Select); 18 bases into the intron after coding-DNA position 1679, G replaced by T.
Molecular consequence: intron variant.
Genome position (GRCh38, 1-based): chr7:117,587,851, G>T. VCF-style: chr7-117587851-G-T. GRCh37 (hg19) VCF-style: chr7-117227905-G-T.
Identifiers: ClinVar variation 633160 (VCV000633160.7), dbSNP rs369294289, ClinGen allele CA651921979.

ClinVar aggregate classification (germline): Likely benign. Review status: criteria provided, multiple submitters, no conflicts (2 of 4 stars). 3 submissions from 3 submitters: Likely benign (3). Last evaluated 2025-09-29.

Conditions:
Cystic fibrosis (CF). Also called: MUCOVISCIDOSIS. Identifiers: Orphanet 586, MedGen C0010674, MONDO:0009061, OMIM 219700. Disease mechanism: loss of function.

gnomAD v4.1: 1 of 1,401,340 alleles (0.000071%); highest among the groups gnomAD compares: Admixed American, 0.0017%; no homozygotes.

Submissions (3):

Labcorp Genetics (formerly Invitae), Labcorp
Classification: Likely benign for Cystic fibrosis. Last evaluated: 2025-09-29. Review status: criteria provided, single submitter. Criteria: Invitae Variant Classification Sherloc (09022015). Collection method: clinical testing. Allele origin: germline.

Ambry Genetics
Classification: Likely benign for Cystic fibrosis. Last evaluated: 2025-01-03. Review status: criteria provided, single submitter. Criteria: Ambry Variant Classification Scheme 2023. Collection method: clinical testing. Allele origin: germline.

Women's Health and Genetics/Laboratory Corporation of America, LabCorp
Classification: Likely benign. Last evaluated: 2024-08-02. Review status: criteria provided, single submitter. Criteria: LabCorp Variant Classification Summary - May 2015. Collection method: clinical testing. Allele origin: germline.
Comment: Variant summary: CFTR c.1679+18G>T alters a non-conserved nucleotide located at a position not widely known to affect splicing. Consensus agreement among computation tools predict no significant impact on normal splicing. However, these predictions have yet to be confirmed by functional studies. The variant was absent in 249364 control chromosomes. The available data on variant occurrences in the general population are insufficient to allow any conclusion about variant significance. To our knowledge, no occurrence of c.1679+18G>T in individuals affected with Cystic Fibrosis and no experimental evidence demonstrating its impact on protein function have been reported. ClinVar contains an entry for this variant (Variation ID: 633160). Based on the evidence outlined above, the variant was classified as likely benign.